The following is an entry in ClinVar:

ClinVar aggregate classification (germline): Likely benign. Review status: criteria provided, multiple submitters, no conflicts (2 of 4 stars). 3 submissions from 3 submitters: Likely benign (3). Last evaluated 2026-09-04.

Conditions:
JPH2-related disorder. Also called: JPH2-related condition.
Cardiovascular phenotype. Identifiers: MedGen CN230736.
Hypertrophic cardiomyopathy. Also called: HYPERTROPHIC MYOCARDIOPATHY. Identifiers: Orphanet 217569, MedGen C0007194, MeSH D002312, MONDO:0005045, HP:0001639.

Allele frequency attached by ClinVar (database versions not stated): gnomAD exomes 0.00001 and 0.00005; gnomAD 0.00002 and 0.00004; TOPMed 0.00002; ExAC 0.00006; 1000 Genomes Project 0.00060; 1000 Genomes Project 30x 0.00062.
gnomAD v4.1: 24 of 1,607,666 alleles (0.0015%); highest among the groups gnomAD compares: East Asian, 0.036%; no homozygotes.

Submissions (3):

PreventionGenetics, part of Exact Sciences
Classification: Likely benign for JPH2-related condition. Last evaluated: 2026-09-04. Review status: criteria provided, single submitter. Criteria: ACMG Guidelines, 2015. Collection method: clinical testing. Allele origin: germline.
Comment: This variant is classified as likely benign based on ACMG/AMP sequence variant interpretation guidelines (Richards et al. 2015 PMID: 25741868, with internal and published modifications).

Labcorp Genetics (formerly Invitae), Labcorp
Classification: Likely benign for Hypertrophic cardiomyopathy. Last evaluated: 2025-11-17. Review status: criteria provided, single submitter. Criteria: Invitae Variant Classification Sherloc (09022015). Collection method: clinical testing. Allele origin: germline.

Ambry Genetics
Classification: Likely benign for Cardiovascular phenotype. Last evaluated: 2020-09-29. Review status: criteria provided, single submitter. Criteria: Ambry Variant Classification Scheme 2023. Collection method: clinical testing. Allele origin: germline.

NM_020433.5(JPH2):c.2055C>T (p.Ile685=)

Gene: JPH2 (junctophilin 2; minus strand). Cytogenetic location: 20q13.12.
Variant type: single nucleotide variant.
Coding change: c.2055C>T on transcript NM_020433.5 (MANE Select); coding-DNA position 2055, C replaced by T.
Protein change: p.Ile685=; no amino-acid change (isoleucine 685 retained).
Molecular consequence: synonymous variant.
Genome position (GRCh38, 1-based): chr20:44,114,832, G>A on the plus strand (C>T on the coding strand, the complement: JPH2 is on the minus strand). VCF-style: chr20-44114832-G-A. GRCh37 (hg19) VCF-style: chr20-42743472-G-A.
Identifiers: ClinVar variation 703376 (VCV000703376.14), dbSNP rs184307455, ClinGen allele CA9868515.